The following is an entry in ClinVar:

ClinVar aggregate classification (germline): Uncertain significance (1 of 4 stars; one submission).

Conditions:
Long QT syndrome (LQTS). Identifiers: MedGen C0023976, MeSH D008133, MONDO:0002442. Disease mechanism: loss of function. Inheritance: Various modes of inheritance.

Submission:

Labcorp Genetics (formerly Invitae), Labcorp
Classification: Uncertain significance for Long QT syndrome. Last evaluated: 2022-07-26. Review status: criteria provided, single submitter. Criteria: Invitae Variant Classification Sherloc (09022015). Collection method: clinical testing. Allele origin: germline.
Comment: In summary, the available evidence is currently insufficient to determine the role of this variant in disease. Therefore, it has been classified as a Variant of Uncertain Significance. This sequence change creates a premature translational stop signal (p.Gln2227*) in the AKAP9 gene. It is expected to result in an absent or disrupted protein product. However, the current clinical and genetic evidence is not sufficient to establish whether loss-of-function variants in AKAP9 cause disease. This variant is not present in population databases (gnomAD no frequency). This variant has not been reported in the literature in individuals affected with AKAP9-related conditions. ClinVar contains an entry for this variant (Variation ID: 1354308).

NM_005751.5(AKAP9):c.6679C>T (p.Gln2227Ter)

Gene: AKAP9 (A-kinase anchoring protein 9; plus strand). Cytogenetic location: 7q21.2.
Variant type: single nucleotide variant.
Coding change: c.6679C>T on transcript NM_005751.5 (MANE Select); coding-DNA position 6679, C replaced by T.
Protein change: p.Gln2227Ter; replaces glutamine 2227 with a stop codon.
Molecular consequence: nonsense.
Genome position (GRCh38, 1-based): chr7:92,076,921, C>T. VCF-style: chr7-92076921-C-T. GRCh37 (hg19) VCF-style: chr7-91706235-C-T.
Other names: c.1324C>T, p.Gln442Ter (NM_001379277.1); c.6655C>T, p.Gln2219Ter (NM_147185.3); short protein forms Q2219*, Q442*, Q2227*.
Identifiers: ClinVar variation 1354308 (VCV001354308.6), dbSNP rs2130855904, ClinGen allele CA368133021.